The following is an entry in ClinVar:

NM_000202.8(IDS):c.916T>C (p.Tyr306His)

Genes: IDS (iduronate 2-sulfatase; minus strand), LOC106050102 (IDS recombination region; plus strand). Cytogenetic location: Xq28.
Variant type: single nucleotide variant.
Coding change: c.916T>C on transcript NM_000202.8 (MANE Select); coding-DNA position 916, T replaced by C.
Protein change: p.Tyr306His; replaces tyrosine 306 with histidine.
Molecular consequence: missense variant. On other transcripts: non-coding transcript variant (1).
Genome position (GRCh38, 1-based): chrX:149,490,404, A>G on the plus strand (T>C on the coding strand, the complement: IDS is on the minus strand). VCF-style: chrX-149490404-A-G. GRCh37 (hg19) VCF-style: chrX-148571935-A-G.
Other names: c.646T>C, p.Tyr216His (NM_001166550.4); c.916T>C, p.Tyr306His (NM_006123.5); short protein forms Y216H, Y306H.
Identifiers: ClinVar variation 3285266 (VCV003285266.2).

ClinVar aggregate classification (germline): Uncertain significance (1 of 4 stars; one submission).

Conditions:
Inborn genetic diseases. Identifiers: MedGen C0950123, MeSH D030342.

Submission:

Ambry Genetics
Classification: Uncertain significance for Inborn genetic diseases. Last evaluated: 2024-07-10. Review status: criteria provided, single submitter. Criteria: Ambry Variant Classification Scheme 2023. Collection method: clinical testing. Allele origin: germline.
Comment: The c.916T>C (p.Y306H) alteration is located in exon 7 (coding exon 7) of the IDS gene. This alteration results from a T to C substitution at nucleotide position 916, causing the tyrosine (Y) at amino acid position 306 to be replaced by a histidine (H). This variant was not reported in population-based cohorts in the Genome Aggregation Database (gnomAD). This amino acid position is highly conserved in available vertebrate species. This alteration is predicted to be deleterious by in silico analysis. Based on insufficient or conflicting evidence, the clinical significance of this alteration remains unclear.